The following is an entry in ClinVar:

NM_007294.4(BRCA1):c.301+10G>T

Gene: BRCA1 (BRCA1 DNA repair associated; minus strand). Cytogenetic location: 17q21.31.
Variant type: single nucleotide variant.
Coding change: c.301+10G>T on transcript NM_007294.4 (MANE Select); 10 bases into the intron after coding-DNA position 301, G replaced by T.
Molecular consequence: intron variant.
Genome position (GRCh38, 1-based): chr17:43,104,858, C>A on the plus strand (G>T on the coding strand, the complement: BRCA1 is on the minus strand). VCF-style: chr17-43104858-C-A. GRCh37 (hg19) VCF-style: chr17-41256875-C-A.
Other names: c.301+10G>T (NM_001407583.1, NM_001407634.1, NM_001407610.1 and 164 more transcripts); c.160+10G>T (NM_001407724.1, NM_001407697.1, NM_001407838.1 and 99 more transcripts); c.223+10G>T (NM_001408415.1, NM_001408475.1, NM_001407875.1 and 21 more transcripts); c.91+10G>T (NM_001408483.1, NM_001407885.1, NM_001407886.1 and 58 more transcripts); c.-218-9998G>T (NM_001407967.1, NM_001407966.1); c.-81+10G>T (NM_001407959.1, NM_001407962.1, NM_001408512.1 and 4 more transcripts); c.169+10G>T (NM_001408451.1); c.292+19G>T (NM_001408408.1, NM_001407647.1, NM_001407646.1).
Identifiers: ClinVar variation 868375 (VCV000868375.3), dbSNP rs80358001, ClinGen allele CA916080801.

Conditions:
Breast-ovarian cancer, familial, susceptibility to, 1 (BROVCA1). Also called: BRCA1 Hereditary Breast and Ovarian Cancer; OVARIAN CANCER, SUSCEPTIBILITY TO. Identifiers: Orphanet 145, MedGen C2676676, MONDO:0011450, OMIM 604370. Disease mechanism: loss of function.

Submission:

Brotman Baty Institute, University of Washington
No classification provided (evidence only). Condition: Breast-ovarian cancer, familial 1. Review status: no classification provided. Collection method: in vitro. Allele origin: not applicable. Functional consequence: function_uncertain_variant.
ClinVar note: "not provided" was previously submitted as the classification for the variant. However, the classification appeared to be based only on an observation of functional data so it was converted to no classification on 2025-07-30.